The following is an entry in ClinVar:

NM_001048174.2(MUTYH):c.810C>G (p.Ser270Arg)

Gene: MUTYH (mutY DNA glycosylase; minus strand). Cytogenetic location: 1p34.1.
Variant type: single nucleotide variant.
Coding change: c.810C>G on transcript NM_001048174.2 (MANE Select); coding-DNA position 810, C replaced by G.
Protein change: p.Ser270Arg; replaces serine 270 with arginine.
Molecular consequence: missense variant. On other transcripts: non-coding transcript variant (2).
Genome position (GRCh38, 1-based): chr1:45,332,205, G>C on the plus strand (C>G on the coding strand, the complement: MUTYH is on the minus strand). VCF-style: chr1-45332205-G-C. GRCh37 (hg19) VCF-style: chr1-45797877-G-C.
Other names: c.810C>G, p.Ser270Arg (NM_001048171.2, NM_001048173.2, NM_001293195.2); c.813C>G, p.Ser271Arg (NM_001048172.2); c.894C>G, p.Ser298Arg (NM_001128425.2); c.855C>G, p.Ser285Arg (NM_001293190.2); c.843C>G, p.Ser281Arg (NM_001293191.2); c.534C>G, p.Ser178Arg (NM_001293192.2, NM_001293196.2); c.465C>G, p.Ser155Arg (NM_001350650.2, NM_001350651.2); c.885C>G, p.Ser295Arg (NM_012222.3); short protein forms S298R, S271R, S281R, S178R, S295R, S155R, S270R, S285R.
Identifiers: ClinVar variation 571385 (VCV000571385.23), dbSNP rs937766053, ClinGen allele CA21837059.

ClinVar aggregate classification (germline): Conflicting classifications of pathogenicity. Review status: criteria provided, conflicting classifications (1 of 4 stars). 6 submissions from 6 submitters: Uncertain significance (5); Likely benign (1). Last evaluated 2026-01-13.

Conditions:
Hereditary cancer-predisposing syndrome. Also called: Tumor predisposition; Neoplastic Syndromes, Hereditary; Hereditary neoplastic syndrome; Hereditary Cancer Syndrome. Identifiers: Orphanet 140162, MedGen C0027672, MeSH D009386, MONDO:0015356.
Familial adenomatous polyposis 2. Also called: MYH-associated polyposis; FAP type 2; COLORECTAL ADENOMATOUS POLYPOSIS, AUTOSOMAL RECESSIVE; ADENOMAS, MULTIPLE COLORECTAL, AUTOSOMAL RECESSIVE; MUTYH-related attenuated familial adenomatous polyposis; MUTYH Polyposis. Identifiers: Orphanet 220460, Orphanet 247798, MedGen C3272841, MONDO:0012041, OMIM 608456.

Submissions (6):

Labcorp Genetics (formerly Invitae), Labcorp
Classification: Uncertain significance for Familial adenomatous polyposis 2. Last evaluated: 2026-01-13. Review status: criteria provided, single submitter. Criteria: Invitae Variant Classification Sherloc (09022015). Collection method: clinical testing. Allele origin: germline.
Comment: This sequence change replaces serine, which is neutral and polar, with arginine, which is basic and polar, at codon 298 of the MUTYH protein (p.Ser298Arg). This variant is not present in population databases (gnomAD no frequency). This variant has not been reported in the literature in individuals affected with MUTYH-related conditions. ClinVar contains an entry for this variant (Variation ID: 571385). An algorithm developed to predict the effect of missense changes on protein structure and function (PolyPhen-2) suggests that this variant is likely to be tolerated. In summary, the available evidence is currently insufficient to determine the role of this variant in disease. Therefore, it has been classified as a Variant of Uncertain Significance.

Ambry Genetics
Classification: Likely benign for Hereditary cancer-predisposing syndrome. Last evaluated: 2025-09-15. Review status: criteria provided, single submitter. Criteria: Ambry Variant Classification Scheme 2023. Collection method: clinical testing. Allele origin: germline.

Color Diagnostics, LLC DBA Color Health
Classification: Uncertain significance for Hereditary cancer-predisposing syndrome. Last evaluated: 2024-03-06. Review status: criteria provided, single submitter. Criteria: ACMG Guidelines, 2015. Collection method: clinical testing. Allele origin: germline.
Comment: This missense variant replaces serine with arginine at codon 298 of the MUTYH protein. Computational prediction suggests that this variant may not impact protein structure and function (internally defined REVEL score threshold <= 0.5, PMID: 27666373). To our knowledge, functional studies have not been reported for this variant. This variant has not been reported in individuals affected with MUTYH-related disorders in the literature. This variant has not been identified in the general population by the Genome Aggregation Database (gnomAD). The available evidence is insufficient to determine the role of this variant in disease conclusively. Therefore, this variant is classified as a Variant of Uncertain Significance.

All of Us Research Program, National Institutes of Health
Classification: Uncertain significance for Familial adenomatous polyposis 2. Last evaluated: 2024-02-22. Review status: criteria provided, single submitter. Criteria: ACMG Guidelines, 2015. Collection method: clinical testing. Allele origin: germline. Inheritance: Autosomal recessive inheritance. Observed: 1 variant allele, 1 heterozygote.
Comment: This missense variant replaces serine with arginine at codon 298 of the MUTYH protein. Computational prediction tool suggests that this variant may not impact protein structure and function (internally defined REVEL score threshold <=0.5, PMID: 27666373). Splice site prediction tools suggest that this variant may not impact RNA splicing. To our knowledge, functional studies have not been performed for this variant. This variant has not been reported in individuals affected with hereditary cancer in the literature. This variant has not been identified in the general population by the Genome Aggregation Database (gnomAD). The available evidence is insufficient to determine the role of this variant in disease conclusively. Therefore, this variant is classified as a Variant of Uncertain Significance.

This study involves interpretation of variants in research participants for the purpose of population health screening. Participant phenotype was not available at the time of variant classification. Additional details can be found in publication PMID: 35346344, PMCID: PMC8962531

Baylor Genetics
Classification: Uncertain significance for Familial adenomatous polyposis 2. Last evaluated: 2023-08-21. Review status: criteria provided, single submitter. Criteria: ACMG Guidelines, 2015. Collection method: clinical testing. Allele origin: unknown.

Sema4
Classification: Uncertain significance for Hereditary cancer-predisposing syndrome. Last evaluated: 2022-03-04. Review status: criteria provided, single submitter. Criteria: Sema4 Curation Guidelines. Collection method: curation. Allele origin: germline.
Comment: The MUTYH c.894C>G (p.S298R) variant has not been reported in the literature to our knowledge. It was not observed in the large and broad cohorts of the Genome Aggregation Database (PMID: 32461654). This variant has been reported in ClinVar (Variation ID: 571385). Functional studies have not been performed, and in silico predictions of the variant's effect on protein function are inconclusive. The evidence is insufficient to meet ACMG/AMP criteria for classifying the variant as benign or pathogenic. Thus, the clinical significance of this variant is currently uncertain.